The following is an entry in ClinVar:

ClinVar aggregate classification (germline): Uncertain significance (0 of 4 stars; one submission).

Conditions:
MAPKBP1-related disorder. Also called: MAPKBP1-related condition.

gnomAD v4.1: 24 of 1,614,014 alleles (0.0015%); highest among the groups gnomAD compares: African/African-American, 0.0027%; no homozygotes.

Submission:

PreventionGenetics, part of Exact Sciences
Classification: Uncertain significance for MAPKBP1-related condition. Last evaluated: 2024-05-03. Review status: no assertion criteria provided. Collection method: clinical testing. Allele origin: germline.
Comment: The MAPKBP1 c.2566C>T variant is predicted to result in the amino acid substitution p.Arg856Cys. To our knowledge, this variant has not been reported in the literature. This variant is reported in 0.0033% of alleles in individuals of South Asian descent in gnomAD. At this time, the clinical significance of this variant is uncertain due to the absence of conclusive functional and genetic evidence.

NM_014994.3(MAPKBP1):c.2548C>T (p.Arg850Cys)

Gene: MAPKBP1 (mitogen-activated protein kinase binding protein 1; plus strand). Cytogenetic location: 15q15.1.
Variant type: single nucleotide variant.
Coding change: c.2548C>T on transcript NM_014994.3 (MANE Select); coding-DNA position 2548, C replaced by T.
Protein change: p.Arg850Cys; replaces arginine 850 with cysteine.
Molecular consequence: missense variant. On other transcripts: non-coding transcript variant (2).
Genome position (GRCh38, 1-based): chr15:41,820,898, C>T. VCF-style: chr15-41820898-C-T. GRCh37 (hg19) VCF-style: chr15-42113096-C-T.
Other names: c.2566C>T, p.Arg856Cys (NM_001128608.2); c.2548C>T, p.Arg850Cys (NM_001265611.2); short protein forms R850C, R856C.
Identifiers: ClinVar variation 3355556 (VCV003355556.1).